The following is an entry in ClinVar:

ClinVar aggregate classification (germline): Pathogenic (1 of 4 stars; one submission).

Conditions:
Familial thoracic aortic aneurysm and aortic dissection (TAAD). Also called: Thoracic aortic aneurysms and dissections. Identifiers: Orphanet 91387, MedGen C4707243, MONDO:0019625.

Submission:

Centre of Medical Genetics, University of Antwerp
Classification: Pathogenic for Familial thoracic aortic aneurysm and aortic dissection. Last evaluated: 2024-09-06. Review status: criteria provided, single submitter. Criteria: ACMG Guidelines, 2015. Collection method: clinical testing. Allele origin: germline. Affected: yes.
Comment: P(PM1-2; PP2-3)

NM_000090.4(COL3A1):c.2654G>A (p.Gly885Asp)

Gene: COL3A1 (collagen type III alpha 1 chain; plus strand). Cytogenetic location: 2q32.2.
Variant type: single nucleotide variant.
Coding change: c.2654G>A on transcript NM_000090.4 (MANE Select); coding-DNA position 2654, G replaced by A.
Protein change: p.Gly885Asp; replaces glycine 885 with aspartic acid.
Molecular consequence: missense variant.
Genome position (GRCh38, 1-based): chr2:189,003,780, G>A. VCF-style: chr2-189003780-G-A. GRCh37 (hg19) VCF-style: chr2-189868506-G-A.
Other names: short protein forms G885D.
Identifiers: ClinVar variation 4820005 (VCV004820005.1).